The following is an entry in ClinVar:

ClinVar aggregate classification (germline): Uncertain significance (1 of 4 stars; one submission).

Submission:

GeneDx
Classification: Uncertain significance. Last evaluated: 2024-12-12. Review status: criteria provided, single submitter. Criteria: GeneDx Variant Classification Process June 2021. Collection method: clinical testing. Allele origin: germline. Affected: yes.
Comment: Not observed at significant frequency in large population cohorts (gnomAD); In silico analysis indicates that this missense variant does not alter protein structure/function; Has not been previously published as pathogenic or benign to our knowledge

NM_152594.3(SPRED1):c.598C>T (p.Pro200Ser)

Gene: SPRED1 (sprouty related EVH1 domain containing 1; plus strand). Cytogenetic location: 15q14.
Variant type: single nucleotide variant.
Coding change: c.598C>T on transcript NM_152594.3 (MANE Select); coding-DNA position 598, C replaced by T.
Protein change: p.Pro200Ser; replaces proline 200 with serine.
Molecular consequence: missense variant.
Genome position (GRCh38, 1-based): chr15:38,349,437, C>T. VCF-style: chr15-38349437-C-T. GRCh37 (hg19) VCF-style: chr15-38641638-C-T.
Other names: short protein forms P200S.
Identifiers: ClinVar variation 3903348 (VCV003903348.1).